The following is an entry in ClinVar:

ClinVar aggregate classification (germline): Uncertain significance. Review status: criteria provided, multiple submitters, no conflicts (2 of 4 stars). 2 submissions from 2 submitters: Uncertain significance (2). Last evaluated 2024-03-07.

Allele frequency attached by ClinVar (database versions not stated): ESP Exome Variant Server 0.00008; gnomAD 0.00011.
gnomAD v4.1: 123 of 1,606,952 alleles (0.0077%); highest among the groups gnomAD compares: Non-Finnish European, 0.006%; no homozygotes.

Submissions (2):

Blueprint Genetics
Classification: Uncertain significance. Last evaluated: 2024-03-07. Review status: criteria provided, single submitter. Criteria: ACMG Guidelines, 2015. Collection method: clinical testing. Allele origin: germline.

Labcorp Genetics (formerly Invitae), Labcorp
Classification: Uncertain significance. Last evaluated: 2022-02-09. Review status: criteria provided, single submitter. Criteria: Invitae Variant Classification Sherloc (09022015). Collection method: clinical testing. Allele origin: germline.
Comment: This sequence change replaces leucine, which is neutral and non-polar, with phenylalanine, which is neutral and non-polar, at codon 281 of the LHX3 protein (p.Leu281Phe). This variant is present in population databases (rs371660154, gnomAD 0.05%). This variant has not been reported in the literature in individuals affected with LHX3-related conditions. Algorithms developed to predict the effect of missense changes on protein structure and function are either unavailable or do not agree on the potential impact of this missense change (SIFT: "Not Available"; PolyPhen-2: "Benign"; Align-GVGD: "Not Available"). In summary, the available evidence is currently insufficient to determine the role of this variant in disease. Therefore, it has been classified as a Variant of Uncertain Significance.

NM_178138.6(LHX3):c.828G>C (p.Leu276Phe)

Gene: LHX3 (LIM homeobox 3; minus strand). Cytogenetic location: 9q34.3.
Variant type: single nucleotide variant.
Coding change: c.828G>C on transcript NM_178138.6 (MANE Select); coding-DNA position 828, G replaced by C.
Protein change: p.Leu276Phe; replaces leucine 276 with phenylalanine.
Molecular consequence: missense variant.
Genome position (GRCh38, 1-based): chr9:136,197,691, C>G on the plus strand (G>C on the coding strand, the complement: LHX3 is on the minus strand). VCF-style: chr9-136197691-C-G. GRCh37 (hg19) VCF-style: chr9-139089537-C-G.
Other names: c.795G>C, p.Leu265Phe (NM_001363746.1); c.843G>C, p.Leu281Phe (NM_014564.5); short protein forms L265F, L276F, L281F.
Identifiers: ClinVar variation 1424789 (VCV001424789.4), dbSNP rs371660154, ClinGen allele CA5330317.